The following is an entry in ClinVar:

NM_005022.4(PFN1):c.401A>C (p.His134Pro)

Gene: PFN1 (profilin 1; minus strand). Cytogenetic location: 17p13.2.
Variant type: single nucleotide variant.
Coding change: c.401A>C on transcript NM_005022.4 (MANE Select); coding-DNA position 401, A replaced by C.
Protein change: p.His134Pro; replaces histidine 134 with proline.
Molecular consequence: missense variant. On other transcripts: 3 prime UTR variant (1).
Genome position (GRCh38, 1-based): chr17:4,945,922, T>G on the plus strand (A>C on the coding strand, the complement: PFN1 is on the minus strand). VCF-style: chr17-4945922-T-G. GRCh37 (hg19) VCF-style: chr17-4849217-T-G.
Other names: c.*485A>C (NM_001375991.1); short protein forms H134P.
Identifiers: ClinVar variation 1307442 (VCV001307442.9), dbSNP rs1050184, ClinGen allele CA287230771.

ClinVar aggregate classification (germline): Uncertain significance. Review status: criteria provided, multiple submitters, no conflicts (2 of 4 stars). 2 submissions from 2 submitters: Uncertain significance (2). Last evaluated 2021-03-28.

Submissions (2):

Labcorp Genetics (formerly Invitae), Labcorp
Classification: Uncertain significance. Last evaluated: 2021-03-28. Review status: criteria provided, single submitter. Criteria: Invitae Variant Classification Sherloc (09022015). Collection method: clinical testing. Allele origin: germline.
Comment: In summary, the available evidence is currently insufficient to determine the role of this variant in disease. Therefore, it has been classified as a Variant of Uncertain Significance. Algorithms developed to predict the effect of missense changes on protein structure and function are either unavailable or do not agree on the potential impact of this missense change (SIFT: "Tolerated"; PolyPhen-2: "Possibly Damaging"; Align-GVGD: "Class C0"). This variant has not been reported in the literature in individuals with PFN1-related conditions. This variant is not present in population databases (ExAC no frequency). This sequence change replaces histidine with proline at codon 134 of the PFN1 protein (p.His134Pro). The histidine residue is highly conserved and there is a moderate physicochemical difference between histidine and proline.

GeneDx
Classification: Uncertain significance. Last evaluated: 2019-08-01. Review status: criteria provided, single submitter. Criteria: GeneDx Variant Classification Process June 2021. Collection method: clinical testing. Allele origin: germline. Affected: yes.
Comment: Not observed in large population cohorts (Lek et al., 2016); In silico analysis, which includes protein predictors and evolutionary conservation, supports a deleterious effect; Has not been previously published as pathogenic or benign to our knowledge